The following is an entry in ClinVar:

ClinVar aggregate classification (germline): Uncertain significance (1 of 4 stars; one submission).

Submission:

Labcorp Genetics (formerly Invitae), Labcorp
Classification: Uncertain significance. Last evaluated: 2025-10-27. Review status: criteria provided, single submitter. Criteria: Invitae Variant Classification Sherloc (09022015). Collection method: clinical testing. Allele origin: germline.
Comment: This sequence change replaces histidine, which is basic and polar, with tyrosine, which is neutral and polar, at codon 1347 of the CACNA1B protein (p.His1347Tyr). This variant is not present in population databases (gnomAD no frequency). This variant has not been reported in the literature in individuals affected with CACNA1B-related conditions. Invitae Evidence Modeling of protein sequence and biophysical properties (such as structural, functional, and spatial information, amino acid conservation, physicochemical variation, residue mobility, and thermodynamic stability) has been performed for this missense variant. However, the output from this modeling did not meet the statistical confidence thresholds required to predict the impact of this variant on CACNA1B protein function. In summary, the available evidence is currently insufficient to determine the role of this variant in disease. Therefore, it has been classified as a Variant of Uncertain Significance.

NM_000718.4(CACNA1B):c.4039C>T (p.His1347Tyr)

Gene: CACNA1B (calcium voltage-gated channel subunit alpha1 B; plus strand). Cytogenetic location: 9q34.3.
Variant type: single nucleotide variant.
Coding change: c.4039C>T on transcript NM_000718.4 (MANE Select); coding-DNA position 4039, C replaced by T.
Protein change: p.His1347Tyr; replaces histidine 1347 with tyrosine.
Molecular consequence: missense variant.
Genome position (GRCh38, 1-based): chr9:138,057,802, C>T. VCF-style: chr9-138057802-C-T. GRCh37 (hg19) VCF-style: chr9-140952254-C-T.
Other names: c.4039C>T, p.His1347Tyr (NM_001243812.2); short protein forms H1347Y.
Identifiers: ClinVar variation 4739815 (VCV004739815.1).
Genomic context (GRCh38, chr9:138,057,802, plus strand): 5'-TTGGATTATGAGAAGGAGGAAGTGGAAGCTCAGCCCAGGCAGTGGAAGAAATACGACTTT[C>T]ACTACGACAATGTGCTCTGGGCTCTGCTGACGCTGTTCACAGTGTCCACGGGAGAAGGCT-3'
Protein context (NP_000709.1, residues 1337-1357): QPRQWKKYDF[His1347Tyr]YDNVLWALLT